The following is an entry in ClinVar:

NM_001098816.3(TENM4):c.6750C>T (p.Asp2250=)

Gene: TENM4 (teneurin transmembrane protein 4; minus strand). Cytogenetic location: 11q14.1.
Variant type: single nucleotide variant.
Coding change: c.6750C>T on transcript NM_001098816.3 (MANE Select); coding-DNA position 6750, C replaced by T.
Protein change: p.Asp2250=; no amino-acid change (aspartic acid 2250 retained).
Molecular consequence: synonymous variant.
Genome position (GRCh38, 1-based): chr11:78,669,595, G>A on the plus strand (C>T on the coding strand, the complement: TENM4 is on the minus strand). VCF-style: chr11-78669595-G-A. GRCh37 (hg19) VCF-style: chr11-78380640-G-A.
Identifiers: ClinVar variation 4872287 (VCV004872287.2).
Genomic context (GRCh38, chr11:78,669,595, plus strand): 5'-CTCAAAGATATCACCGCCCCGCTGCCTCAGGAAGCCATCCTCATCCATCTTGTATTGCAC[G>A]TCACCCAGCCGAGTGATGCGGTCGCGGATGTCATACCGTAGTGGTGTGAGCCGTGCACTG-3'
Protein context (NP_001092286.2, residues 2240-2260): DIRDRITRLG[Asp2250=]VQYKMDEDGF

ClinVar aggregate classification (germline): Likely benign (1 of 4 stars; one submission).

gnomAD v4.1: 40 of 1,613,920 alleles (0.0025%); highest among the groups gnomAD compares: Non-Finnish European, 0.0031%; no homozygotes.

Submission:

CeGaT Center for Human Genetics Tuebingen
Classification: Likely benign. Last evaluated: 2026-06-01. Review status: criteria provided, single submitter. Criteria: CeGaT Center For Human Genetics Tuebingen Variant Classification Criteria Version 2. Collection method: clinical testing. Allele origin: germline. Affected: yes. Observed: 1 variant allele.
Comment: TENM4: BP4, BP7